The following is an entry in ClinVar:

NM_001367624.2(ZNF469):c.9869G>A (p.Ser3290Asn)

Gene: ZNF469 (zinc finger protein 469; plus strand). Cytogenetic location: 16q24.2.
Variant type: single nucleotide variant.
Coding change: c.9869G>A on transcript NM_001367624.2 (MANE Select); coding-DNA position 9869, G replaced by A.
Protein change: p.Ser3290Asn; replaces serine 3290 with asparagine.
Molecular consequence: missense variant.
Genome position (GRCh38, 1-based): chr16:88,437,339, G>A. VCF-style: chr16-88437339-G-A. GRCh37 (hg19) VCF-style: chr16-88503747-G-A.
Other names: NM_001127464.1:c.9785G>A; short protein forms S3290N.
Identifiers: ClinVar variation 1768184 (VCV001768184.2), dbSNP rs2507604596, ClinGen allele CA397124951.

ClinVar aggregate classification (germline): Uncertain significance (1 of 4 stars; one submission).

Conditions:
Cardiovascular phenotype. Identifiers: MedGen CN230736.

Submission:

Ambry Genetics
Classification: Uncertain significance for Cardiovascular phenotype. Last evaluated: 2022-10-02. Review status: criteria provided, single submitter. Criteria: Ambry Variant Classification Scheme 2023. Collection method: clinical testing. Allele origin: germline.
Comment: The p.S3262N variant (also known as c.9785G>A), located in coding exon 2 of the ZNF469 gene, results from a G to A substitution at nucleotide position 9785. The serine at codon 3262 is replaced by asparagine, an amino acid with highly similar properties. This amino acid position is conserved. In addition, this alteration is predicted to be tolerated by in silico analysis. Since supporting evidence is limited at this time, the clinical significance of this alteration remains unclear.